The following is an entry in ClinVar:

ClinVar aggregate classification (germline): Uncertain significance. Review status: criteria provided, multiple submitters, no conflicts (2 of 4 stars). 3 submissions from 3 submitters: Uncertain significance (2). 1 of the submissions does not count toward it. Last evaluated 2019-08-21.

Conditions:
Nemaline myopathy 2 (NEM2). Also called: Nemaline myopathy 2, autosomal recessive. Identifiers: MedGen C1850569, MONDO:0009725, OMIM 256030.

Allele frequency attached by ClinVar (database versions not stated): gnomAD 0.00001; TOPMed below 0.00001.
gnomAD v4.1: 22 of 1,612,866 alleles (0.0014%); highest among the groups gnomAD compares: South Asian, 0.016%; no homozygotes.

Submissions (3):

GeneDx
Classification: Uncertain significance. Last evaluated: 2019-08-21. Review status: criteria provided, single submitter. Criteria: GeneDx Variant Classification Process June 2021. Collection method: clinical testing. Allele origin: germline. Affected: yes.
Comment: In silico analysis, which includes protein predictors and evolutionary conservation, supports a deleterious effect; Has not been previously published as pathogenic or benign to our knowledge

Revvity Omics, Revvity
Classification: Uncertain significance. Last evaluated: 2019-01-14. Review status: criteria provided, single submitter. Criteria: ACMG Guidelines, 2015. Collection method: clinical testing. Allele origin: germline.

Natera, Inc.
Classification: Uncertain significance for Nemaline myopathy type 2. Last evaluated: 2020-07-13. Review status: no assertion criteria provided. Collection method: clinical testing. Allele origin: germline. Not counted in ClinVar's aggregate classification.

NM_001164508.2(NEB):c.12260A>G (p.His4087Arg)

Gene: NEB (nebulin; minus strand). Cytogenetic location: 2q23.3.
Variant type: single nucleotide variant.
Coding change: c.12260A>G on transcript NM_001164508.2 (MANE Select); coding-DNA position 12260, A replaced by G.
Protein change: p.His4087Arg; replaces histidine 4087 with arginine.
Molecular consequence: missense variant.
Genome position (GRCh38, 1-based): chr2:151,609,879, T>C on the plus strand (A>G on the coding strand, the complement: NEB is on the minus strand). VCF-style: chr2-151609879-T-C. GRCh37 (hg19) VCF-style: chr2-152466393-T-C.
Other names: c.12260A>G, p.His4087Arg (NM_001164507.2, NM_001271208.2); c.11531A>G, p.His3844Arg (NM_004543.5); short protein forms H3844R, H4087R.
Identifiers: ClinVar variation 1199049 (VCV001199049.6), dbSNP rs199683595, ClinGen allele CA1908561.
Genomic context (GRCh38, chr2:151,609,879, plus strand): 5'-AGGTCATAGGCCTTTTTTGCTTGGATAATGTCGTTTTGATCCGGCATGCATGTCCATTCA[T>C]GCAGGTAATTGCGATAATCAATGTCAGTGACCAAAGTCTGACATTTCTTGGCCAGCAAGA-3'
Protein context (NP_001157980.2, residues 4077-4097): VTDIDYRNYL[His4087Arg]EWTCMPDQND